The following is an entry in ClinVar:

NM_020381.4(PDSS2):c.1123G>A (p.Ala375Thr)

Gene: PDSS2 (decaprenyl diphosphate synthase subunit 2; minus strand). Cytogenetic location: 6q21.
Variant type: single nucleotide variant.
Coding change: c.1123G>A on transcript NM_020381.4 (MANE Select); coding-DNA position 1123, G replaced by A.
Protein change: p.Ala375Thr; replaces alanine 375 with threonine.
Molecular consequence: missense variant.
Genome position (GRCh38, 1-based): chr6:107,154,696, C>T on the plus strand (G>A on the coding strand, the complement: PDSS2 is on the minus strand). VCF-style: chr6-107154696-C-T. GRCh37 (hg19) VCF-style: chr6-107475900-C-T.
Other names: short protein forms A375T.
Identifiers: ClinVar variation 1944664 (VCV001944664.2), dbSNP rs782488737, ClinGen allele CA3945900.

ClinVar aggregate classification (germline): Uncertain significance (1 of 4 stars; one submission).

Allele frequency attached by ClinVar (database versions not stated): ExAC 0.00001; TOPMed 0.00001; gnomAD 0.00002; gnomAD exomes 0.00003.
gnomAD v4.1: 46 of 1,613,942 alleles (0.0029%); highest among the groups gnomAD compares: Non-Finnish European, 0.0039%; no homozygotes.

Submission:

Labcorp Genetics (formerly Invitae), Labcorp
Classification: Uncertain significance. Last evaluated: 2022-08-21. Review status: criteria provided, single submitter. Criteria: Invitae Variant Classification Sherloc (09022015). Collection method: clinical testing. Allele origin: germline.
Comment: This sequence change replaces alanine, which is neutral and non-polar, with threonine, which is neutral and polar, at codon 375 of the PDSS2 protein (p.Ala375Thr). This variant is present in population databases (rs782488737, gnomAD 0.002%). This variant has not been reported in the literature in individuals affected with PDSS2-related conditions. Algorithms developed to predict the effect of missense changes on protein structure and function are either unavailable or do not agree on the potential impact of this missense change (SIFT: "Tolerated"; PolyPhen-2: "Possibly Damaging"; Align-GVGD: "Class C0"). In summary, the available evidence is currently insufficient to determine the role of this variant in disease. Therefore, it has been classified as a Variant of Uncertain Significance.